The following is an entry in ClinVar:

NM_000051.4(ATM):c.5270C>T (p.Thr1757Ile)

Gene: ATM (ATM serine/threonine kinase; plus strand). Cytogenetic location: 11q22.3.
Variant type: single nucleotide variant.
Coding change: c.5270C>T on transcript NM_000051.4 (MANE Select); coding-DNA position 5270, C replaced by T.
Protein change: p.Thr1757Ile; replaces threonine 1757 with isoleucine.
Molecular consequence: missense variant.
Genome position (GRCh38, 1-based): chr11:108,301,740, C>T. VCF-style: chr11-108301740-C-T. GRCh37 (hg19) VCF-style: chr11-108172467-C-T.
Other names: c.5270C>T, p.Thr1757Ile (NM_001351834.2); short protein forms T1757I.
Identifiers: ClinVar variation 141207 (VCV000141207.15), dbSNP rs587781575, ClinGen allele CA164769.

ClinVar aggregate classification (germline): Uncertain significance. Review status: criteria provided, multiple submitters, no conflicts (2 of 4 stars). 2 submissions from 2 submitters: Uncertain significance (2). Last evaluated 2026-04-13.

Conditions:
Hereditary cancer-predisposing syndrome. Also called: Neoplastic Syndromes, Hereditary; Tumor predisposition; Hereditary neoplastic syndrome; Hereditary Cancer Syndrome. Identifiers: Orphanet 140162, MedGen C0027672, MeSH D009386, MONDO:0015356.
Ataxia-telangiectasia syndrome (AT). Also called: Ataxia telangiectasia (A-T); LOUIS-BAR SYNDROME; Cerebello-oculocutaneous telangiectasia; Immunodeficiency with ataxia telangiectasia; Ataxia-telangiectasia, complementation group E; Ataxia-telangiectasia, complementation group D. Identifiers: Orphanet 100, MedGen C0004135, MONDO:0008840, OMIM 208900.

Submissions (2):

Ambry Genetics
Classification: Uncertain significance for Hereditary cancer-predisposing syndrome. Last evaluated: 2026-04-13. Review status: criteria provided, single submitter. Criteria: Ambry Variant Classification Scheme 2023. Collection method: clinical testing. Allele origin: germline.
Comment: The p.T1757I variant (also known as c.5270C>T), located in coding exon 34 of the ATM gene, results from a C to T substitution at nucleotide position 5270. The threonine at codon 1757 is replaced by isoleucine, an amino acid with similar properties. This nucleotide position is not well conserved in available vertebrate species. In silico splice site analysis predicts that this alteration may weaken the native splice donor site; however, direct evidence is insufficient at this time (Ambry internal data). This amino acid position is not well conserved in available vertebrate species. In addition, this alteration is predicted to be tolerated by in silico analysis. Based on the available evidence, the clinical significance of this variant remains unclear.

Labcorp Genetics (formerly Invitae), Labcorp
Classification: Uncertain significance for Ataxia-telangiectasia syndrome. Last evaluated: 2024-03-20. Review status: criteria provided, single submitter. Criteria: Invitae Variant Classification Sherloc (09022015). Collection method: clinical testing. Allele origin: germline.
Comment: This sequence change replaces threonine, which is neutral and polar, with isoleucine, which is neutral and non-polar, at codon 1757 of the ATM protein (p.Thr1757Ile). RNA analysis indicates that this missense change induces altered splicing and may result in an absent or disrupted protein product. This variant is not present in population databases (gnomAD no frequency). This variant has not been reported in the literature in individuals affected with ATM-related conditions. ClinVar contains an entry for this variant (Variation ID: 141207). An algorithm developed to predict the effect of missense changes on protein structure and function (PolyPhen-2) suggests that this variant is likely to be tolerated. Studies have shown that this missense change results in skipping of exon 35 and introduces a premature termination codon (Invitae). The resulting mRNA is expected to undergo nonsense-mediated decay. In summary, the available evidence is currently insufficient to determine the role of this variant in disease. Therefore, it has been classified as a Variant of Uncertain Significance.

Literature cited by the submitters: PubMed 40580951 (cited by Ambry Genetics).